The following is an entry in ClinVar:

NC_000016.9:g.(?_2089925)_(2110834_?)dup

Genes: NTHL1 (nth like DNA glycosylase 1; minus strand), TSC2 (TSC complex subunit 2; plus strand). Cytogenetic location: 16p13.3.
Variant type: Duplication.
Identifiers: ClinVar variation 3243463 (VCV003243463.1).

ClinVar aggregate classification (germline): Uncertain significance (1 of 4 stars; one submission).

Conditions:
Tuberous sclerosis 2 (TSC2). Identifiers: Orphanet 805, MedGen C1860707, MONDO:0013199, OMIM 613254.

Submission:

Labcorp Genetics (formerly Invitae), Labcorp
Classification: Uncertain significance for Tuberous sclerosis 2. Last evaluated: 2023-12-18. Review status: criteria provided, single submitter. Criteria: Invitae Variant Classification Sherloc (09022015). Collection method: clinical testing. Allele origin: unknown.
Comment: This variant results in a copy number gain of the genomic region encompassing exon(s) 1-11 of the TSC2 gene. This region includes the initiator codon of the gene. This copy number gain extends beyond the assayed region for this gene and therefore may encompass additional genes. As the precise location of this event is unknown, it may be in tandem or it may be located elsewhere in the genome. This variant has not been reported in the literature in individuals affected with TSC2-related conditions. In summary, the available evidence is currently insufficient to determine the role of this variant in disease. Therefore, it has been classified as a Variant of Uncertain Significance.